The following is an entry in ClinVar:

ClinVar aggregate classification (germline): Uncertain significance. Review status: criteria provided, multiple submitters, no conflicts (2 of 4 stars). 2 submissions from 2 submitters: Uncertain significance (2). Last evaluated 2025-08-13.

Conditions:
Inborn genetic diseases. Identifiers: MedGen C0950123, MeSH D030342.

Allele frequency attached by ClinVar (database versions not stated): ESP Exome Variant Server 0.00008.
gnomAD v4.1: 2 of 1,613,850 alleles (0.00012%); highest among the groups gnomAD compares: Non-Finnish European, 0.00017%; no homozygotes.

Submissions (2):

Ambry Genetics
Classification: Uncertain significance for Inborn genetic diseases. Last evaluated: 2025-08-13. Review status: criteria provided, single submitter. Criteria: Ambry Variant Classification Scheme 2023. Collection method: clinical testing. Allele origin: germline.

GeneDx
Classification: Uncertain significance. Last evaluated: 2023-04-11. Review status: criteria provided, single submitter. Criteria: GeneDx Variant Classification Process June 2021. Collection method: clinical testing. Allele origin: germline. Affected: yes.
Comment: Not observed at significant frequency in large population cohorts (gnomAD); In silico analysis supports that this missense variant does not alter protein structure/function; Has not been previously published as pathogenic or benign to our knowledge

NM_001367561.1(DOCK7):c.1351A>T (p.Thr451Ser)

Gene: DOCK7 (dedicator of cytokinesis 7; minus strand). Cytogenetic location: 1p31.3.
Variant type: single nucleotide variant.
Coding change: c.1351A>T on transcript NM_001367561.1 (MANE Select); coding-DNA position 1351, A replaced by T.
Protein change: p.Thr451Ser; replaces threonine 451 with serine.
Molecular consequence: missense variant.
Genome position (GRCh38, 1-based): chr1:62,625,333, T>A on the plus strand (A>T on the coding strand, the complement: DOCK7 is on the minus strand). VCF-style: chr1-62625333-T-A. GRCh37 (hg19) VCF-style: chr1-63091004-T-A.
Other names: c.1351A>T, p.Thr451Ser (NM_001271999.2, NM_001272000.2, NM_001272001.2 and 3 more transcripts); c.1351A>T (NM_033407.2); short protein forms T451S.
Identifiers: ClinVar variation 2661990 (VCV002661990.2), dbSNP rs145829350, ClinGen allele CA23773366.